The following is an entry in ClinVar:

ClinVar aggregate classification (germline): Conflicting classifications of pathogenicity. Review status: criteria provided, conflicting classifications (1 of 4 stars). 3 submissions from 3 submitters: Pathogenic (1); Likely pathogenic (1); Uncertain significance (1). Last evaluated 2026-01-05.

Conditions:
Exudative vitreoretinopathy 4 (EVR4). Identifiers: Orphanet 891, MedGen C1866176, MONDO:0011151, OMIM 601813.

Allele frequency attached by ClinVar (database versions not stated): ExAC 0.00001; TOPMed 0.00002; gnomAD exomes 0.00001 and 0.00002.

Submissions (3):

Variantyx, Inc.
Classification: Likely pathogenic for Exudative vitreoretinopathy 4. Last evaluated: 2026-01-05. Review status: criteria provided, single submitter. Criteria: Variantyx Assertion Criteria 2022. Collection method: clinical testing. Allele origin: germline. Inheritance: Autosomal dominant inheritance. Affected: yes.
Comment: This is a nonsynonymous variant in the LRP5 gene (OMIM: 603506). Pathogenic variants in this gene have been associated with autosomal recessive exudative vitreoretinopathy 4 (EVR4). This variant has been reported in at least 2 unrelated affected individuals (PMID: 25711638, 23077402) (PS4_Moderate). It lies within a known hotspot for pathogenic variants or a well-established critical functional domain of the LRP5 protein (PM1) and multiple computational algorithms predict a deleterious effect for this variant (REVEL score: 0.911) (PP3). This variant has a 0.0024% maximum allele frequency in non-founder control populations (PM2). Based on the current evidence, this variant is classified as likely pathogenic for autosomal recessive exudative vitreoretinopathy 4 (EVR4).

Blueprint Genetics
Classification: Uncertain significance. Last evaluated: 2024-07-11. Review status: criteria provided, single submitter. Criteria: ACMG Guidelines, 2015. Collection method: clinical testing. Allele origin: germline.

Labcorp Genetics (formerly Invitae), Labcorp
Classification: Pathogenic. Last evaluated: 2022-10-13. Review status: criteria provided, single submitter. Criteria: Invitae Variant Classification Sherloc (09022015). Collection method: clinical testing. Allele origin: germline.
Comment: This variant is present in population databases (rs756378949, gnomAD 0.002%). For these reasons, this variant has been classified as Pathogenic. This variant disrupts the p.Asp1363 amino acid residue in LRP5. Other variant(s) that disrupt this residue have been determined to be pathogenic (PMID: 29181528). This suggests that this residue is clinically significant, and that variants that disrupt this residue are likely to be disease-causing. Advanced modeling of protein sequence and biophysical properties (such as structural, functional, and spatial information, amino acid conservation, physicochemical variation, residue mobility, and thermodynamic stability) has been performed at Invitae for this missense variant, however the output from this modeling did not meet the statistical confidence thresholds required to predict the impact of this variant on LRP5 protein function. ClinVar contains an entry for this variant (Variation ID: 1052278). This missense change has been observed in individuals with autosomal dominant familial exudative retinopathy (PMID: 23077402, 25711638). This sequence change replaces aspartic acid, which is acidic and polar, with asparagine, which is neutral and polar, at codon 1363 of the LRP5 protein (p.Asp1363Asn).

Literature cited by the submitters: PubMed 25711638 (cited by Variantyx, Inc. and Labcorp Genetics (formerly Invitae), Labcorp); PubMed 23077402 (cited by Variantyx, Inc. and Labcorp Genetics (formerly Invitae), Labcorp); PubMed 29181528 (cited by Labcorp Genetics (formerly Invitae), Labcorp).

NM_002335.4(LRP5):c.4087G>A (p.Asp1363Asn)

Gene: LRP5 (LDL receptor related protein 5; plus strand). Cytogenetic location: 11q13.2.
Variant type: single nucleotide variant.
Coding change: c.4087G>A on transcript NM_002335.4 (MANE Select); coding-DNA position 4087, G replaced by A.
Protein change: p.Asp1363Asn; replaces aspartic acid 1363 with asparagine.
Molecular consequence: missense variant.
Genome position (GRCh38, 1-based): chr11:68,436,975, G>A. VCF-style: chr11-68436975-G-A. GRCh37 (hg19) VCF-style: chr11-68204443-G-A.
Other names: c.2344G>A, p.Asp782Asn (NM_001291902.2); short protein forms D1363N, D782N.
Identifiers: ClinVar variation 1052278 (VCV001052278.10), dbSNP rs756378949, ClinGen allele CA6150228.
Genomic context (GRCh38, chr11:68,436,975, plus strand): 5'-TGTGCGAGCGGCCAGTGTGTCCTCATCAAACAGCAGTGCGACTCCTTCCCCGACTGTATC[G>A]ACGGCTCCGACGAGCTCATGTGTGGTGAGCCAGCTTCTGGCACGGGGAAGGGGCGTCCGG-3'
Protein context (NP_002326.2, residues 1353-1373): QQCDSFPDCI[Asp1363Asn]GSDELMCEIT